The following is an entry in ClinVar:

ClinVar aggregate classification (germline): Benign. Review status: criteria provided, multiple submitters, no conflicts (2 of 4 stars). 3 submissions from 3 submitters: Benign (3). Last evaluated 2018-06-18.

Allele frequency attached by ClinVar (database versions not stated): gnomAD exomes 0.38480 and 0.38726; ESP Exome Variant Server 0.42142; 1000 Genomes Project 0.47324; ExAC 0.39002; gnomAD 0.41011 and 0.40500; TOPMed 0.41808; 1000 Genomes Project 30x 0.47174.
gnomAD v4.1: 624,501 of 1,600,264 alleles (39%); highest among the groups gnomAD compares: East Asian, 57%; 125,601 homozygotes.

Submissions (3):

GeneDx
Classification: Benign. Last evaluated: 2018-06-18. Review status: criteria provided, single submitter. Criteria: GeneDx Variant Classification (06012015). Collection method: clinical testing. Allele origin: germline. Affected: yes.
Comment: This variant is considered likely benign or benign based on one or more of the following criteria: it is a conservative change, it occurs at a poorly conserved position in the protein, it is predicted to be benign by multiple in silico algorithms, and/or has population frequency not consistent with disease.

Breakthrough Genomics
Classification: Benign. Review status: criteria provided, single submitter. Criteria: ACMG Guidelines, 2015. Collection method: not provided. Allele origin: germline. Inheritance: Autosomal dominant inheritance. Affected: yes.

PreventionGenetics, part of Exact Sciences
Classification: Benign. Review status: criteria provided, single submitter. Criteria: ACMG Guidelines, 2015. Collection method: clinical testing. Allele origin: germline.

NM_001844.5(COL2A1):c.2302-32T>C

Gene: COL2A1 (collagen type II alpha 1 chain; minus strand). Cytogenetic location: 12q13.11.
Variant type: single nucleotide variant.
Coding change: c.2302-32T>C on transcript NM_001844.5 (MANE Select); 32 bases into the intron before coding-DNA position 2302, T replaced by C.
Molecular consequence: intron variant.
Genome position (GRCh38, 1-based): chr12:47,982,192, A>G on the plus strand (T>C on the coding strand, the complement: COL2A1 is on the minus strand). VCF-style: chr12-47982192-A-G. GRCh37 (hg19) VCF-style: chr12-48375975-A-G.
Other names: c.2095-32T>C (NM_033150.3).
Identifiers: ClinVar variation 258226 (VCV000258226.3), dbSNP rs2276456, ClinGen allele CA6535155.
Genomic context (GRCh38, chr12:47,982,192, plus strand): 5'-CCCTCAGGGCCTTTCTCACCAACGTCACCCTGAGGGAAGAGAAAACCAGCCGCCTCAGCC[A>G]GGCACCCCAGGACCCCCATGGTTTGCTCAGTCCCACCCAGGCTGGGGTGCTAGGGAAAGC-3'